The following is an entry in ClinVar:

ClinVar aggregate classification (germline): Pathogenic. Review status: criteria provided, multiple submitters, no conflicts (2 of 4 stars). 2 submissions from 2 submitters: Pathogenic (2). Last evaluated 2024-03-26.

Conditions:
Retinitis pigmentosa (RP). Identifiers: Orphanet 791, MedGen C0035334, MeSH D012174, MONDO:0019200, OMIM 268000. Inheritance: Autosomal dominant, autosomal recessive and X linked inheritance.

Submissions (2):

Labcorp Genetics (formerly Invitae), Labcorp
Classification: Pathogenic. Last evaluated: 2024-03-26. Review status: criteria provided, single submitter. Criteria: Invitae Variant Classification Sherloc (09022015). Collection method: clinical testing. Allele origin: germline.
Comment: This sequence change replaces histidine, which is basic and polar, with proline, which is neutral and non-polar, at codon 499 of the PRPF3 protein (p.His499Pro). This variant is not present in population databases (gnomAD no frequency). This missense change has been observed in individual(s) with retinitis pigmentosa (PMID: 32531858). ClinVar contains an entry for this variant (Variation ID: 813205). Advanced modeling of protein sequence and biophysical properties (such as structural, functional, and spatial information, amino acid conservation, physicochemical variation, residue mobility, and thermodynamic stability) performed at Invitae indicates that this missense variant is expected to disrupt PRPF3 protein function with a positive predictive value of 80%. For these reasons, this variant has been classified as Pathogenic.

Molecular Genetics Laboratory, Institute for Ophthalmic Research
Classification: Pathogenic for Retinitis pigmentosa. Last evaluated: 2020-01-09. Review status: criteria provided, single submitter. Criteria: ACMG Guidelines, 2015. Collection method: research. Allele origin: germline. Affected: yes.

Literature cited by the submitters: PubMed 32531858 (cited by Labcorp Genetics (formerly Invitae), Labcorp).

NM_004698.4(PRPF3):c.1496A>C (p.His499Pro)

Gene: PRPF3 (pre-mRNA processing factor 3; plus strand). Cytogenetic location: 1q21.2.
Variant type: single nucleotide variant.
Coding change: c.1496A>C on transcript NM_004698.4 (MANE Select); coding-DNA position 1496, A replaced by C.
Protein change: p.His499Pro; replaces histidine 499 with proline.
Molecular consequence: missense variant. On other transcripts: non-coding transcript variant (4).
Genome position (GRCh38, 1-based): chr1:150,344,231, A>C. VCF-style: chr1-150344231-A-C. GRCh37 (hg19) VCF-style: chr1-150316707-A-C.
Other names: c.1091A>C, p.His364Pro (NM_001350529.1); short protein forms H364P, H499P.
Identifiers: ClinVar variation 813205 (VCV000813205.3), dbSNP rs1658062720, ClinGen allele CA342282375.
Genomic context (GRCh38, chr1:150,344,231, plus strand): 5'-CTAATTTGATGCGAGTATTAGGAACAGAAGCTGTTCAAGACCCCACGAAGGTAGAAGCCC[A>C]CGTCAGAGCTCAGATGGCAAAAAGACAGAAGTAAGTGCCATGGGATTGGGTGGAAACCTC-3'
Protein context (NP_004689.1, residues 489-509): AVQDPTKVEA[His499Pro]VRAQMAKRQK